The following is an entry in ClinVar:

ClinVar aggregate classification (germline): Uncertain significance. Review status: criteria provided, multiple submitters, no conflicts (2 of 4 stars). 2 submissions from 2 submitters: Uncertain significance (2). Last evaluated 2026-08-19.

Conditions:
Hereditary cancer-predisposing syndrome. Also called: Tumor predisposition; Hereditary neoplastic syndrome; Neoplastic Syndromes, Hereditary; Hereditary Cancer Syndrome. Identifiers: Orphanet 140162, MedGen C0027672, MeSH D009386, MONDO:0015356.
Familial cancer of breast. Also called: Hereditary breast cancer; hereditary breast carcinoma; BREAST CANCER, FAMILIAL. Identifiers: Orphanet 227535, MedGen C0346153, MONDO:0016419, OMIM 114480. Disease mechanism: loss of function.

gnomAD v4.1: 1 of 1,610,290 alleles (0.000062%); highest among the groups gnomAD compares: South Asian, 0.0011%; no homozygotes.

Submissions (2):

Ambry Genetics
Classification: Uncertain significance for Hereditary cancer-predisposing syndrome. Last evaluated: 2026-08-19. Review status: criteria provided, single submitter. Criteria: Ambry Variant Classification Scheme 2023. Collection method: clinical testing. Allele origin: germline.
Comment: The p.A230T variant (also known as c.688G>A), located in coding exon 5 of the CHEK2 gene, results from a G to A substitution at nucleotide position 688. The alanine at codon 230 is replaced by threonine, an amino acid with similar properties. This amino acid position is highly conserved in available vertebrate species. In addition, the in silico prediction for this alteration is inconclusive. Based on the available evidence, the clinical significance of this variant remains unclear.

Labcorp Genetics (formerly Invitae), Labcorp
Classification: Uncertain significance for Familial cancer of breast. Last evaluated: 2021-07-26. Review status: criteria provided, single submitter. Criteria: Invitae Variant Classification Sherloc (09022015). Collection method: clinical testing. Allele origin: germline.
Comment: In summary, the available evidence is currently insufficient to determine the role of this variant in disease. Therefore, it has been classified as a Variant of Uncertain Significance. Algorithms developed to predict the effect of missense changes on protein structure and function are either unavailable or do not agree on the potential impact of this missense change (SIFT: "Deleterious"; PolyPhen-2: "Probably Damaging"; Align-GVGD: "Class C0"). ClinVar contains an entry for this variant (Variation ID: 854537). This variant has not been reported in the literature in individuals affected with CHEK2-related conditions. This variant is not present in population databases (ExAC no frequency). This sequence change replaces alanine with threonine at codon 230 of the CHEK2 protein (p.Ala230Thr). The alanine residue is highly conserved and there is a small physicochemical difference between alanine and threonine.

NM_007194.4(CHEK2):c.688G>A (p.Ala230Thr)

Gene: CHEK2 (checkpoint kinase 2; minus strand). Cytogenetic location: 22q12.1.
Variant type: single nucleotide variant.
Coding change: c.688G>A on transcript NM_007194.4 (MANE Select); coding-DNA position 688, G replaced by A.
Protein change: p.Ala230Thr; replaces alanine 230 with threonine.
Molecular consequence: missense variant.
Genome position (GRCh38, 1-based): chr22:28,712,013, C>T on the plus strand (G>A on the coding strand, the complement: CHEK2 is on the minus strand). VCF-style: chr22-28712013-C-T. GRCh37 (hg19) VCF-style: chr22-29108001-C-T.
Other names: c.817G>A, p.Ala273Thr (NM_001005735.3); c.25G>A, p.Ala9Thr (NM_001257387.3); c.487G>A, p.Ala163Thr (NM_001349956.3); c.688G>A, p.Ala230Thr (NM_145862.3); short protein forms A230T, A273T, A9T, A163T.
Identifiers: ClinVar variation 854537 (VCV000854537.9), dbSNP rs748636216, ClinGen allele CA411103509.